The following is an entry in ClinVar:

ClinVar aggregate classification (germline): Uncertain significance (1 of 4 stars; one submission).

Conditions:
Hereditary hyperekplexia. Identifiers: Orphanet 3197, MedGen C4084968, MONDO:0021022.

Allele frequency attached by ClinVar (database versions not stated): gnomAD exomes below 0.00001; ExAC 0.00001; gnomAD 0.00001; TOPMed 0.00002; ESP Exome Variant Server 0.00008.
gnomAD v4.1: 4 of 1,613,826 alleles (0.00025%); highest among the groups gnomAD compares: African/African-American, 0.004%; no homozygotes.

Submission:

Labcorp Genetics (formerly Invitae), Labcorp
Classification: Uncertain significance for Hereditary hyperekplexia. Last evaluated: 2025-05-27. Review status: criteria provided, single submitter. Criteria: Invitae Variant Classification Sherloc (09022015). Collection method: clinical testing. Allele origin: germline.
Comment: This sequence change replaces arginine, which is basic and polar, with lysine, which is basic and polar, at codon 48 of the GLRA1 protein (p.Arg48Lys). This variant is not present in population databases (gnomAD no frequency). This variant has not been reported in the literature in individuals affected with GLRA1-related conditions. ClinVar contains an entry for this variant (Variation ID: 1055880). Invitae Evidence Modeling of protein sequence and biophysical properties (such as structural, functional, and spatial information, amino acid conservation, physicochemical variation, residue mobility, and thermodynamic stability) indicates that this missense variant is not expected to disrupt GLRA1 protein function with a negative predictive value of 95%. In summary, the available evidence is currently insufficient to determine the role of this variant in disease. Therefore, it has been classified as a Variant of Uncertain Significance.

NM_000171.4(GLRA1):c.143G>A (p.Arg48Lys)

Gene: GLRA1 (glycine receptor alpha 1; minus strand). Cytogenetic location: 5q33.1.
Variant type: single nucleotide variant.
Coding change: c.143G>A on transcript NM_000171.4 (MANE Select); coding-DNA position 143, G replaced by A.
Protein change: p.Arg48Lys; replaces arginine 48 with lysine.
Molecular consequence: missense variant. On other transcripts: intron variant (1).
Genome position (GRCh38, 1-based): chr5:151,892,352, C>T on the plus strand (G>A on the coding strand, the complement: GLRA1 is on the minus strand). VCF-style: chr5-151892352-C-T. GRCh37 (hg19) VCF-style: chr5-151271913-C-T.
Other names: c.143G>A, p.Arg48Lys (NM_001146040.2); c.-65-5564G>A (NM_001292000.2); short protein forms R48K.
Identifiers: ClinVar variation 1055880 (VCV001055880.9), dbSNP rs151029950, ClinGen allele CA3523766.
Genomic context (GRCh38, chr5:151,892,352, plus strand): 5'-GAAGGAATATTTTCTCTACCTTTAAAATTGGGCCTGATCCTGGCATCATATCCGGAGGTT[C>T]TCCCCATTAGCTTATCCAGGAAATCCGAGGGTGACATAGGCTTGGGTGCGGAGCGAGCAG-3'
Protein context (NP_000162.2, residues 38-58): PSDFLDKLMG[Arg48Lys]TSGYDARIRP